The following is an entry in ClinVar:

NM_001003787.4(STRADA):c.827A>G (p.His276Arg)

Gene: STRADA (STE20 related adaptor alpha; minus strand). Cytogenetic location: 17q23.3.
Variant type: single nucleotide variant.
Coding change: c.827A>G on transcript NM_001003787.4 (MANE Select); coding-DNA position 827, A replaced by G.
Protein change: p.His276Arg; replaces histidine 276 with arginine.
Molecular consequence: missense variant. On other transcripts: non-coding transcript variant (1).
Genome position (GRCh38, 1-based): chr17:63,706,666, T>C on the plus strand (A>G on the coding strand, the complement: STRADA is on the minus strand). VCF-style: chr17-63706666-T-C. GRCh37 (hg19) VCF-style: chr17-61784026-T-C.
Other names: c.716A>G, p.His239Arg (NM_001003786.3, NM_001363789.1, NM_153335.6); c.653A>G, p.His218Arg (NM_001003788.3, NM_001363790.1, NM_001363791.1); c.740A>G, p.His247Arg (NM_001165969.2, NM_001363787.1); c.695A>G, p.His232Arg (NM_001165970.2); c.803A>G, p.His268Arg (NM_001363786.1); c.827A>G, p.His276Arg (NM_001363788.1); short protein forms H218R, H268R, H276R, H232R, H239R, H247R.
Identifiers: ClinVar variation 942436 (VCV000942436.9), dbSNP rs753176642, ClinGen allele CA8703273.

ClinVar aggregate classification (germline): Uncertain significance (1 of 4 stars; one submission).

Conditions:
Polyhydramnios, megalencephaly, and symptomatic epilepsy (PMSE). Also called: PMSE SYNDROME. Identifiers: Orphanet 500533, MedGen C1970203, MONDO:0012611, OMIM 611087.

Allele frequency attached by ClinVar (database versions not stated): gnomAD exomes below 0.00001; ExAC 0.00001.
gnomAD v4.1: 1 of 1,614,008 alleles (0.000062%); highest among the groups gnomAD compares: Non-Finnish European, 0.000085%; no homozygotes.

Submission:

Labcorp Genetics (formerly Invitae), Labcorp
Classification: Uncertain significance for Polyhydramnios, megalencephaly, and symptomatic epilepsy. Last evaluated: 2019-08-30. Review status: criteria provided, single submitter. Criteria: Invitae Variant Classification Sherloc (09022015). Collection method: clinical testing. Allele origin: germline.
Comment: In summary, the available evidence is currently insufficient to determine the role of this variant in disease. Therefore, it has been classified as a Variant of Uncertain Significance. Algorithms developed to predict the effect of missense changes on protein structure and function are either unavailable or do not agree on the potential impact of this missense change (SIFT: "Tolerated"; PolyPhen-2: "Probably Damaging"; Align-GVGD: "Class C0"). This variant has not been reported in the literature in individuals with STRADA-related conditions. This variant is present in population databases (rs753176642, ExAC 0.001%). This sequence change replaces histidine with arginine at codon 276 of the STRADA protein (p.His276Arg). The histidine residue is moderately conserved and there is a small physicochemical difference between histidine and arginine.